The following is an entry in ClinVar:

ClinVar aggregate classification (germline): Pathogenic/Likely pathogenic. Review status: criteria provided, multiple submitters, no conflicts (2 of 4 stars). 5 submissions from 5 submitters: Pathogenic (2); Likely pathogenic (2). 1 of the submissions does not count toward it. Last evaluated 2026-01-05.

Conditions:
TTC8-related disorder. Also called: TTC8-related condition.
Retinitis pigmentosa 51 (RP51). Identifiers: Orphanet 791, MedGen C3150715, MONDO:0013274, OMIM 613464.
Bardet-Biedl syndrome 8 (BBS8). Identifiers: Orphanet 110, MedGen C1859566, MONDO:0014436, OMIM 615985.
Bardet-Biedl syndrome (BBS). Identifiers: Orphanet 110, MedGen C0752166, MONDO:0015229.
Retinal dystrophy. Also called: Inherited retinal dystrophy. Identifiers: Orphanet 71862, MedGen C0854723, MeSH D058499, MONDO:0019118, HP:0000556.

Allele frequency attached by ClinVar (database versions not stated): ExAC 0.00001; gnomAD 0.00001; gnomAD exomes 0.00001; ESP Exome Variant Server 0.00008.
gnomAD v4.1: 22 of 1,612,784 alleles (0.0014%); highest among the groups gnomAD compares: Non-Finnish European, 0.0018%; no homozygotes.

Submissions (5):

Labcorp Genetics (formerly Invitae), Labcorp
Classification: Likely pathogenic for Bardet-Biedl syndrome. Last evaluated: 2026-01-05. Review status: criteria provided, single submitter. Criteria: Invitae Variant Classification Sherloc (09022015). Collection method: clinical testing. Allele origin: germline.
Comment: This sequence change affects a donor splice site in intron 3 of the TTC8 gene. It is expected to disrupt RNA splicing. Variants that disrupt the donor or acceptor splice site typically lead to a loss of protein function (PMID: 16199547), and loss-of-function variants in TTC8 are known to be pathogenic (PMID: 16308660, 16877420, 19797195, 21052717, 30886724). This variant is present in population databases (rs139234943, gnomAD 0.007%). Disruption of this splice site has been observed in individual(s) with Bardet-Biedl syndrome (PMID: 21052717). This variant is also known as IVS2+1G>A. ClinVar contains an entry for this variant (Variation ID: 1694464). Algorithms developed to predict the effect of sequence changes on RNA splicing suggest that this variant may disrupt the consensus splice site. In summary, the currently available evidence indicates that the variant is pathogenic, but additional data are needed to prove that conclusively. Therefore, this variant has been classified as Likely Pathogenic.

Revvity Omics, Revvity
Classification: Pathogenic. Last evaluated: 2025-05-27. Review status: criteria provided, single submitter. Criteria: ACMG Guidelines, 2015. Collection method: clinical testing. Allele origin: germline.

Blueprint Genetics
Classification: Likely pathogenic for TTC8-related disorders. Last evaluated: 2024-08-01. Review status: criteria provided, single submitter. Criteria: ACMG Guidelines, 2015. Collection method: clinical testing. Allele origin: germline. Affected: yes. Observed: 4 variant alleles.

Suma Genomics
Classification: Pathogenic for Retinitis pigmentosa 51; Bardet-Biedl syndrome 8. Review status: criteria provided, single submitter. Criteria: ACMG Guidelines, 2015. Collection method: clinical testing. Allele origin: inherited. Inheritance: Autosomal recessive inheritance. Affected: yes.

Institute of Human Genetics, Univ. Regensburg, Univ. Regensburg
Classification: Pathogenic for Retinal dystrophy. Last evaluated: 2022-01-01. Review status: no assertion criteria provided. Criteria: ACMG Guidelines, 2015. Collection method: clinical testing. Allele origin: germline. Affected: yes. Not counted in ClinVar's aggregate classification.

Literature cited by the submitters: PubMed 16199547 (cited by Labcorp Genetics (formerly Invitae), Labcorp); PubMed 16308660 (cited by Labcorp Genetics (formerly Invitae), Labcorp); PubMed 16877420 (cited by Labcorp Genetics (formerly Invitae), Labcorp); PubMed 19797195 (cited by Labcorp Genetics (formerly Invitae), Labcorp); PubMed 21052717 (cited by Labcorp Genetics (formerly Invitae), Labcorp); PubMed 30886724 (cited by Labcorp Genetics (formerly Invitae), Labcorp).

NM_144596.4(TTC8):c.265+1G>A

Gene: TTC8 (tetratricopeptide repeat domain 8; plus strand). Cytogenetic location: 14q31.3.
Variant type: single nucleotide variant.
Coding change: c.265+1G>A on transcript NM_144596.4 (MANE Select); the canonical splice donor site of the intron after coding-DNA position 265, G replaced by A.
Molecular consequence: splice donor variant.
Genome position (GRCh38, 1-based): chr14:88,839,573, G>A. VCF-style: chr14-88839573-G-A. GRCh37 (hg19) VCF-style: chr14-89305917-G-A.
Other names: c.-328+1G>A (NM_001288782.1); c.235+1G>A (NM_001288781.1, NM_198309.3, NM_198310.3 and 2 more transcripts); c.-423+1G>A (NM_001288783.1).
Identifiers: ClinVar variation 1694464 (VCV001694464.9), dbSNP rs139234943, ClinGen allele CA7302398.